The following is an entry in ClinVar:

NM_000179.3(MSH6):c.2987T>A (p.Leu996Ter)

Gene: MSH6 (mutS homolog 6; plus strand). Cytogenetic location: 2p16.3.
Variant type: single nucleotide variant.
Coding change: c.2987T>A on transcript NM_000179.3 (MANE Select); coding-DNA position 2987, T replaced by A.
Protein change: p.Leu996Ter; replaces leucine 996 with a stop codon.
Molecular consequence: nonsense. On other transcripts: non-coding transcript variant (5), intron variant (2).
Genome position (GRCh38, 1-based): chr2:47,800,970, T>A. VCF-style: chr2-47800970-T-A. GRCh37 (hg19) VCF-style: chr2-48028109-T-A.
Other names: c.2081T>A, p.Leu694Ter (NM_001406823.1, NM_001281493.2, NM_001281494.2 and 6 more transcripts); c.2690T>A, p.Leu897Ter (NM_001406824.1, NM_001406825.1, NM_001406827.1 and 10 more transcripts); c.2819T>A, p.Leu940Ter (NM_001406826.1); c.2597T>A, p.Leu866Ter (NM_001281492.2); c.3083T>A, p.Leu1028Ter (NM_001406795.1, NM_001406802.1); c.2987T>A, p.Leu996Ter (NM_001406796.1, NM_001406798.1, NM_001406800.1 and 2 more transcripts); c.932T>A, p.Leu311Ter (NM_001407362.1); c.2462T>A, p.Leu821Ter (NM_001406799.1, NM_001406806.1, NM_001406807.1); and 4 more; short protein forms L1028*, L311*, L897*, L821*, L998*, L970*, L996*, L694*.
Identifiers: ClinVar variation 4843691 (VCV004843691.1).

ClinVar aggregate classification (germline): Pathogenic (1 of 4 stars; one submission).

Conditions:
Hereditary cancer-predisposing syndrome. Also called: Neoplastic Syndromes, Hereditary; Tumor predisposition; Hereditary Cancer Syndrome; Hereditary neoplastic syndrome. Identifiers: Orphanet 140162, MedGen C0027672, MeSH D009386, MONDO:0015356.

Submission:

Ambry Genetics
Classification: Pathogenic for Hereditary cancer-predisposing syndrome. Last evaluated: 2025-12-23. Review status: criteria provided, single submitter. Criteria: Ambry Variant Classification Scheme 2023. Collection method: clinical testing. Allele origin: germline.
Comment: The p.L996* pathogenic mutation (also known as c.2987T>A), located in coding exon 4 of the MSH6 gene, results from a T to A substitution at nucleotide position 2987. This changes the amino acid from a leucine to a stop codon within coding exon 4. This variant is considered to be rare based on population cohorts in the Genome Aggregation Database (gnomAD). This alteration is expected to result in loss of function by premature protein truncation or nonsense-mediated mRNA decay. As such, this alteration is interpreted as a disease-causing mutation.